The following is an entry in ClinVar:

ClinVar aggregate classification (germline): Benign (1 of 4 stars; one submission).

Allele frequency attached by ClinVar (database versions not stated): TOPMed 0.07000; gnomAD 0.06692; 1000 Genomes Project 0.08207; 1000 Genomes Project 30x 0.08432.
gnomAD v4.1: 10,395 of 152,208 alleles (6.8%); highest among the groups gnomAD compares: East Asian, 12%; 385 homozygotes.

Submission:

GeneDx
Classification: Benign. Last evaluated: 2018-06-14. Review status: criteria provided, single submitter. Criteria: GeneDx Variant Classification (06012015). Collection method: clinical testing. Allele origin: germline. Affected: yes.
Comment: This variant is considered likely benign or benign based on one or more of the following criteria: it is a conservative change, it occurs at a poorly conserved position in the protein, it is predicted to be benign by multiple in silico algorithms, and/or has population frequency not consistent with disease.

NM_153026.3(PRICKLE1):c.-48-343C>T

Gene: PRICKLE1 (prickle planar cell polarity protein 1; minus strand). Cytogenetic location: 12q12.
Variant type: single nucleotide variant.
Coding change: c.-48-343C>T on transcript NM_153026.3 (MANE Select); 343 bases into the intron before 48 bases upstream of the start codon, C replaced by T.
Molecular consequence: intron variant.
Genome position (GRCh38, 1-based): chr12:42,472,907, G>A on the plus strand (C>T on the coding strand, the complement: PRICKLE1 is on the minus strand). VCF-style: chr12-42472907-G-A. GRCh37 (hg19) VCF-style: chr12-42866709-G-A.
Other names: c.-45-346C>T (NM_001144883.2); c.-48-343C>T (NM_001144882.2, NM_001144881.2).
Identifiers: ClinVar variation 684010 (VCV000684010.1), dbSNP rs1037401, ClinGen allele CA13686428.